The following is an entry in ClinVar:

ClinVar aggregate classification (germline): Likely benign. Review status: criteria provided, multiple submitters, no conflicts (2 of 4 stars). 7 submissions from 7 submitters: Likely benign (4). 3 of the submissions do not count toward it. Last evaluated 2026-09-01.

Conditions:
PLAA-related disorder. Also called: PLAA-related condition.
Neurodevelopmental disorder with progressive microcephaly, spasticity, and brain anomalies. Identifiers: Orphanet 521426, MedGen C4479631, MONDO:0060502, OMIM 617527.

Allele frequency attached by ClinVar (database versions not stated): 1000 Genomes Project 0.00140; 1000 Genomes Project 30x 0.00141; ExAC 0.00166; gnomAD exomes 0.00173 and 0.00254; gnomAD 0.00183 and 0.00191; ESP Exome Variant Server 0.00208; TOPMed 0.00215.
gnomAD v4.1: 4,059 of 1,614,184 alleles (0.25%); highest among the groups gnomAD compares: Non-Finnish European, 0.3%; 9 homozygotes.

Submissions (7):

CeGaT Center for Human Genetics Tuebingen
Classification: Likely benign. Last evaluated: 2026-09-01. Review status: criteria provided, single submitter. Criteria: CeGaT Center For Human Genetics Tuebingen Variant Classification Criteria Version 2. Collection method: clinical testing. Allele origin: germline. Affected: yes. Observed: 6 variant alleles.
Comment: PLAA: BS2

Labcorp Genetics (formerly Invitae), Labcorp
Classification: Likely benign. Last evaluated: 2026-02-02. Review status: criteria provided, single submitter. Criteria: Invitae Variant Classification Sherloc (09022015). Collection method: clinical testing. Allele origin: germline.

Blueprint Genetics
Classification: Likely benign. Last evaluated: 2024-11-26. Review status: criteria provided, single submitter. Criteria: ACMG Guidelines, 2015. Collection method: clinical testing. Allele origin: germline.

Breakthrough Genomics
Classification: Likely benign. Review status: criteria provided, single submitter. Criteria: ACMG Guidelines, 2015. Collection method: not provided. Allele origin: germline. Inheritance: Autosomal recessive inheritance. Affected: yes.

PreventionGenetics, part of Exact Sciences
Classification: Likely benign for PLAA-related condition. Last evaluated: 2022-06-28. Review status: no assertion criteria provided. Collection method: clinical testing. Allele origin: germline. Not counted in ClinVar's aggregate classification.
Comment: This variant is classified as likely benign based on ACMG/AMP sequence variant interpretation guidelines (Richards et al. 2015 PMID: 25741868, with internal and published modifications).

Human Genetics Department, Tarbiat Modares University
Classification: Uncertain significance for Neurodevelopmental disorder with progressive microcephaly, spasticity, and brain anomalies. Review status: no assertion criteria provided. Collection method: clinical testing. Allele origin: germline. Inheritance: Autosomal recessive inheritance. Affected: yes. Observed: 1 variant allele, 1 homozygote. Not counted in ClinVar's aggregate classification.

Myelin Disorders Clinic-Children's Medical Center/Medical Genetics Lab-Tarbiat Modares University, Children's Medical Center, Pediatrics Center of Excellence,
Classification: Uncertain significance for Neurodevelopmental disorder with progressive microcephaly, spasticity, and brain anomalies. Review status: no assertion criteria provided. Collection method: clinical testing. Allele origin: paternal. Inheritance: Autosomal recessive inheritance. Affected: yes. Not counted in ClinVar's aggregate classification.

NM_001031689.3(PLAA):c.2264A>G (p.Asp755Gly)

Gene: PLAA (phospholipase A2 activating protein; minus strand). Cytogenetic location: 9p21.2.
Variant type: single nucleotide variant.
Coding change: c.2264A>G on transcript NM_001031689.3 (MANE Select); coding-DNA position 2264, A replaced by G.
Protein change: p.Asp755Gly; replaces aspartic acid 755 with glycine.
Molecular consequence: missense variant.
Genome position (GRCh38, 1-based): chr9:26,905,635, T>C on the plus strand (A>G on the coding strand, the complement: PLAA is on the minus strand). VCF-style: chr9-26905635-T-C. GRCh37 (hg19) VCF-style: chr9-26905633-T-C.
Other names: c.2264A>G (NM_001031689.2); c.2195A>G, p.Asp732Gly (NM_001321546.2); short protein forms D755G, D732G.
Identifiers: ClinVar variation 973095 (VCV000973095.41), dbSNP rs78886918, ClinGen allele CA5014154.